The following is an entry in ClinVar:

ClinVar aggregate classification (germline): Uncertain significance (1 of 4 stars; one submission).

Submission:

Labcorp Genetics (formerly Invitae), Labcorp
Classification: Uncertain significance. Last evaluated: 2024-04-25. Review status: criteria provided, single submitter. Criteria: Invitae Variant Classification Sherloc (09022015). Collection method: clinical testing. Allele origin: germline.
Comment: This sequence change replaces arginine, which is basic and polar, with proline, which is neutral and non-polar, at codon 257 of the PDX1 protein (p.Arg257Pro). The frequency data for this variant in the population databases is considered unreliable, as metrics indicate poor data quality at this position in the gnomAD database. This variant has not been reported in the literature in individuals affected with PDX1-related conditions. An algorithm developed to predict the effect of missense changes on protein structure and function (PolyPhen-2) suggests that this variant is likely to be tolerated. In summary, the available evidence is currently insufficient to determine the role of this variant in disease. Therefore, it has been classified as a Variant of Uncertain Significance.

NM_000209.4(PDX1):c.770G>C (p.Arg257Pro)

Gene: PDX1 (pancreatic and duodenal homeobox 1; plus strand). Cytogenetic location: 13q12.2.
Variant type: single nucleotide variant.
Coding change: c.770G>C on transcript NM_000209.4 (MANE Select); coding-DNA position 770, G replaced by C.
Protein change: p.Arg257Pro; replaces arginine 257 with proline.
Molecular consequence: missense variant.
Genome position (GRCh38, 1-based): chr13:27,924,619, G>C. VCF-style: chr13-27924619-G-C. GRCh37 (hg19) VCF-style: chr13-28498756-G-C.
Other names: short protein forms R257P.
Identifiers: ClinVar variation 3604705 (VCV003604705.2).
Genomic context (GRCh38, chr13:27,924,619, plus strand): 5'-CGCTGCCGCCGCCGCCGCCCCCCGGAGGTGCTGTGCCGCCCGCTGCCCCCGTTGCCGCCC[G>C]AGAGGGCCGCCTGCCGCCTGGCCTTAGCGCGTCGCCACAGCCCTCCAGCGTCGCGCCTCG-3'
Protein context (NP_000200.1, residues 247-267): AVPPAAPVAA[Arg257Pro]EGRLPPGLSA